The following is an entry in ClinVar:

NM_001165963.4(SCN1A):c.2268del (p.Lys756_Val757insTer)

Gene: SCN1A (sodium voltage-gated channel alpha subunit 1; minus strand). Cytogenetic location: 2q24.3.
Variant type: Deletion.
Coding change: c.2268del on transcript NM_001165963.4 (MANE Select); coding-DNA position 2268, one base deleted (A; older notation c.2268delA).
Protein change: p.Lys756_Val757insTer.
Molecular consequence: frameshift variant. On other transcripts: 5 prime UTR variant (1), non-coding transcript variant (1).
Genome position (GRCh38, 1-based): chr2:166,041,378, T deleted on the plus strand (A on the coding strand, the reverse complement: SCN1A is on the minus strand); the first of 4 consecutive T bases (chr2:166,041,378-166,041,381); deleting any one gives the same sequence. VCF-style (leftmost placement, unchanged base first): chr2-166041377-CT-C. GRCh37 (hg19) VCF-style: chr2-166897887-CT-C.
Other names: c.2184del, p.Lys728_Val729insTer (NM_001165964.3, NM_001353957.2, NM_001353958.2); c.2268del, p.Lys756_Val757insTer (NM_001202435.3, NM_001353948.2); c.2235del, p.Lys745_Val746insTer (NM_001353949.2, NM_001353950.2, NM_001353951.2 and 2 more transcripts); c.2232del, p.Lys744_Val745insTer (NM_001353954.2, NM_001353955.2); c.2181del, p.Lys727_Val728insTer (NM_001353960.2); c.-191del (NM_001353961.2).
Identifiers: ClinVar variation 565992 (VCV000565992.9), dbSNP rs1559210063, ClinGen allele CA891843005.

ClinVar aggregate classification (germline): Pathogenic (1 of 4 stars; one submission).

Conditions:
Early-infantile DEE. Also called: Ohtahara syndrome; Early infantile epileptic encephalopathy; Early infantile epileptic encephalopathy with suppression bursts. Identifiers: Orphanet 1934, MedGen C0393706, MONDO:0800491.

Submission:

Labcorp Genetics (formerly Invitae), Labcorp
Classification: Pathogenic for Early-infantile DEE. Last evaluated: 2019-03-26. Review status: criteria provided, single submitter. Criteria: Invitae Variant Classification Sherloc (09022015). Collection method: clinical testing. Allele origin: germline.
Comment: This variant is not present in population databases (ExAC no frequency). This sequence change creates a premature translational stop signal (p.Val757*) in the SCN1A gene. It is expected to result in an absent or disrupted protein product. This variant has not been reported in the literature in individuals with SCN1A-related disease. For these reasons, this variant has been classified as Pathogenic. Loss-of-function variants in SCN1A are known to be pathogenic (PMID: 17347258, 18930999).

Literature cited by the submitters: PubMed 17347258; PubMed 18930999.